The following is an entry in ClinVar:

ClinVar aggregate classification (germline): Uncertain significance (1 of 4 stars; one submission).

Allele frequency attached by ClinVar (database versions not stated): ExAC 0.00001; TOPMed 0.00002; gnomAD 0.00004; 1000 Genomes Project 0.00020; 1000 Genomes Project 30x 0.00031.
gnomAD v4.1: 10 of 1,613,252 alleles (0.00062%); highest among the groups gnomAD compares: African/African-American, 0.013%; no homozygotes.

Submission:

Labcorp Genetics (formerly Invitae), Labcorp
Classification: Uncertain significance. Last evaluated: 2022-02-18. Review status: criteria provided, single submitter. Criteria: Invitae Variant Classification Sherloc (09022015). Collection method: clinical testing. Allele origin: germline.
Comment: This sequence change replaces leucine, which is neutral and non-polar, with valine, which is neutral and non-polar, at codon 293 of the PACS2 protein (p.Leu293Val). This variant is present in population databases (rs587749018, gnomAD 0.02%). This variant has not been reported in the literature in individuals affected with PACS2-related conditions. Algorithms developed to predict the effect of missense changes on protein structure and function (SIFT, PolyPhen-2, Align-GVGD) all suggest that this variant is likely to be tolerated. In summary, the available evidence is currently insufficient to determine the role of this variant in disease. Therefore, it has been classified as a Variant of Uncertain Significance.

NM_001100913.3(PACS2):c.877C>G (p.Leu293Val)

Gene: PACS2 (phosphofurin acidic cluster sorting protein 2; plus strand). Cytogenetic location: 14q32.33.
Variant type: single nucleotide variant.
Coding change: c.877C>G on transcript NM_001100913.3 (MANE Select); coding-DNA position 877, C replaced by G.
Protein change: p.Leu293Val; replaces leucine 293 with valine.
Molecular consequence: missense variant.
Genome position (GRCh38, 1-based): chr14:105,376,843, C>G. VCF-style: chr14-105376843-C-G. GRCh37 (hg19) VCF-style: chr14-105843180-C-G.
Other names: c.652C>G, p.Leu218Val (NM_001243127.3); c.877C>G, p.Leu293Val (NM_015197.4); short protein forms L218V, L293V.
Identifiers: ClinVar variation 1516063 (VCV001516063.8), dbSNP rs587749018, ClinGen allele CA7388620.
Genomic context (GRCh38, chr14:105,376,843, plus strand): 5'-CAGGACCCTGCGGAGCACATCCCCGAGGCAGAGGAGGACCTGGACCTCCTGTATGACACC[C>G]TGGACATGGAGCACCCCAGCGACAGCGGCCCCGACATGGAGGATGACGACAGCGTCCTCA-3'
Protein context (NP_001094383.2, residues 283-303): EEDLDLLYDT[Leu293Val]DMEHPSDSGP